The following is an entry in ClinVar:

NM_000094.4(COL7A1):c.1198G>C (p.Gly400Arg)

Gene: COL7A1 (collagen type VII alpha 1 chain; minus strand). Cytogenetic location: 3p21.31.
Variant type: single nucleotide variant.
Coding change: c.1198G>C on transcript NM_000094.4 (MANE Select); coding-DNA position 1198, G replaced by C.
Protein change: p.Gly400Arg; replaces glycine 400 with arginine.
Molecular consequence: missense variant.
Genome position (GRCh38, 1-based): chr3:48,592,144, C>G on the plus strand (G>C on the coding strand, the complement: COL7A1 is on the minus strand). VCF-style: chr3-48592144-C-G. GRCh37 (hg19) VCF-style: chr3-48629577-C-G.
Other names: short protein forms G400R.
Identifiers: ClinVar variation 2870190 (VCV002870190.3), dbSNP rs373230433, ClinGen allele CA2381301.

ClinVar aggregate classification (germline): Uncertain significance (1 of 4 stars; one submission).

Allele frequency attached by ClinVar (database versions not stated): ExAC 0.00001; ESP Exome Variant Server 0.00008.

Submission:

Labcorp Genetics (formerly Invitae), Labcorp
Classification: Uncertain significance. Last evaluated: 2022-12-18. Review status: criteria provided, single submitter. Criteria: Invitae Variant Classification Sherloc (09022015). Collection method: clinical testing. Allele origin: germline.
Comment: This sequence change replaces glycine, which is neutral and non-polar, with arginine, which is basic and polar, at codon 400 of the COL7A1 protein (p.Gly400Arg). This variant is present in population databases (rs373230433, gnomAD 0.007%). This variant has not been reported in the literature in individuals affected with COL7A1-related conditions. Advanced modeling of protein sequence and biophysical properties (such as structural, functional, and spatial information, amino acid conservation, physicochemical variation, residue mobility, and thermodynamic stability) performed at Invitae indicates that this missense variant is not expected to disrupt COL7A1 protein function. In summary, the available evidence is currently insufficient to determine the role of this variant in disease. Therefore, it has been classified as a Variant of Uncertain Significance.